The following is an entry in ClinVar:

NM_001081.4(CUBN):c.5011A>C (p.Arg1671=)

Gene: CUBN (cubilin; minus strand). Cytogenetic location: 10p13.
Variant type: single nucleotide variant.
Coding change: c.5011A>C on transcript NM_001081.4 (MANE Select); coding-DNA position 5011, A replaced by C.
Protein change: p.Arg1671=; no amino-acid change (arginine 1671 retained).
Molecular consequence: synonymous variant.
Genome position (GRCh38, 1-based): chr10:16,950,070, T>G on the plus strand (A>C on the coding strand, the complement: CUBN is on the minus strand). VCF-style: chr10-16950070-T-G. GRCh37 (hg19) VCF-style: chr10-16992069-T-G.
Identifiers: ClinVar variation 695690 (VCV000695690.18), dbSNP rs144472791, ClinGen allele CA5424176.

ClinVar aggregate classification (germline): Benign/Likely benign. Review status: criteria provided, multiple submitters, no conflicts (2 of 4 stars). 5 submissions from 5 submitters: Benign (2); Likely benign (2). 1 of the submissions does not count toward it. Last evaluated 2025-09-16.

Conditions:
Imerslund-Grasbeck syndrome type 1 (IGS1). Also called: MEGALOBLASTIC ANEMIA, 1; Megaloblastic anemia 1, Finnish type; Imerslund-Gräsbeck syndrome 1. Identifiers: MedGen C4016819, MONDO:0100156, OMIM 261100.
Proteinuria, chronic benign. Identifiers: MedGen C5394384, MONDO:0030042, OMIM 618884.
CUBN-related disorder. Also called: CUBN-related condition.
Imerslund-Grasbeck syndrome. Also called: ENTEROCYTE COBALAMIN MALABSORPTION; ENTEROCYTE INTRINSIC FACTOR RECEPTOR, DEFECT OF; Megaloblastic anemia due to inborn errors of metabolism; PERNICIOUS ANEMIA, JUVENILE, DUE TO SELECTIVE INTESTINAL MALABSORPTION OF VITAMIN B12, WITH PROTEINURIA; Imerslund-Gräsbeck syndrome. Identifiers: Orphanet 35858, MedGen C4551825, MONDO:0009853.

Allele frequency attached by ClinVar (database versions not stated): 1000 Genomes Project 30x 0.00078; 1000 Genomes Project 0.00100; gnomAD 0.00255; ESP Exome Variant Server 0.00323; TOPMed 0.00361.
gnomAD v4.1: 796 of 1,614,072 alleles (0.049%); highest among the groups gnomAD compares: African/African-American, 0.96%; 6 homozygotes.

Submissions (5):

Labcorp Genetics (formerly Invitae), Labcorp
Classification: Benign for Imerslund-Grasbeck syndrome. Last evaluated: 2025-09-16. Review status: criteria provided, single submitter. Criteria: Invitae Variant Classification Sherloc (09022015). Collection method: clinical testing. Allele origin: germline.

Blueprint Genetics
Classification: Likely benign. Last evaluated: 2024-10-31. Review status: criteria provided, single submitter. Criteria: ACMG Guidelines, 2015. Collection method: clinical testing. Allele origin: germline.

Fulgent Genetics
Classification: Likely benign for Imerslund-Grasbeck syndrome type 1; Proteinuria, chronic benign. Last evaluated: 2021-07-27. Review status: criteria provided, single submitter. Criteria: ACMG Guidelines, 2015. Collection method: clinical testing. Allele origin: unknown.

Breakthrough Genomics
Classification: Benign. Review status: criteria provided, single submitter. Criteria: ACMG Guidelines, 2015. Collection method: not provided. Allele origin: germline. Inheritance: Autosomal recessive inheritance. Affected: yes.

PreventionGenetics, part of Exact Sciences
Classification: Benign for CUBN-related condition. Last evaluated: 2019-11-29. Review status: no assertion criteria provided. Collection method: clinical testing. Allele origin: germline. Not counted in ClinVar's aggregate classification.
Comment: This variant is classified as benign based on ACMG/AMP sequence variant interpretation guidelines (Richards et al. 2015 PMID: 25741868, with internal and published modifications).